The following is an entry in ClinVar:

NM_144599.5(NIPA1):c.806C>T (p.Thr269Ile)

Gene: NIPA1 (NIPA magnesium transporter 1; plus strand). Cytogenetic location: 15q11.2.
Variant type: single nucleotide variant.
Coding change: c.806C>T on transcript NM_144599.5 (MANE Select); coding-DNA position 806, C replaced by T.
Protein change: p.Thr269Ile; replaces threonine 269 with isoleucine.
Molecular consequence: missense variant.
Genome position (GRCh38, 1-based): chr15:22,824,055, C>T. VCF-style: chr15-22824055-C-T. GRCh37 (hg19) VCF-style: chr15-23049013-G-A.
Other names: c.581C>T, p.Thr194Ile (NM_001142275.1); short protein forms T269I, T194I.
Identifiers: ClinVar variation 1417989 (VCV001417989.8), dbSNP rs2140877924, ClinGen allele CA391304209.

ClinVar aggregate classification (germline): Uncertain significance (1 of 4 stars; one submission).

Conditions:
Hereditary spastic paraplegia 6 (SPG6). Also called: SPASTIC PARAPLEGIA 6, AUTOSOMAL DOMINANT. Identifiers: Orphanet 100988, MedGen C1838192, MONDO:0010878, OMIM 600363.

Submission:

Labcorp Genetics (formerly Invitae), Labcorp
Classification: Uncertain significance for Hereditary spastic paraplegia 6. Last evaluated: 2021-03-31. Review status: criteria provided, single submitter. Criteria: Invitae Variant Classification Sherloc (09022015). Collection method: clinical testing. Allele origin: germline.
Comment: In summary, the available evidence is currently insufficient to determine the role of this variant in disease. Therefore, it has been classified as a Variant of Uncertain Significance. Algorithms developed to predict the effect of missense changes on protein structure and function are either unavailable or do not agree on the potential impact of this missense change (SIFT: "Deleterious"; PolyPhen-2: "Probably Damaging"; Align-GVGD: "Class C0"). This variant has not been reported in the literature in individuals with NIPA1-related conditions. This variant is not present in population databases (ExAC no frequency). This sequence change replaces threonine with isoleucine at codon 269 of the NIPA1 protein (p.Thr269Ile). The threonine residue is highly conserved and there is a moderate physicochemical difference between threonine and isoleucine.